The following is an entry in ClinVar:

NM_001113378.2(FANCI):c.2188T>C (p.Ser730Pro)

Gene: FANCI (FA complementation group I; plus strand). Cytogenetic location: 15q26.1.
Variant type: single nucleotide variant.
Coding change: c.2188T>C on transcript NM_001113378.2 (MANE Select); coding-DNA position 2188, T replaced by C.
Protein change: p.Ser730Pro; replaces serine 730 with proline.
Molecular consequence: missense variant.
Genome position (GRCh38, 1-based): chr15:89,292,960, T>C. VCF-style: chr15-89292960-T-C. GRCh37 (hg19) VCF-style: chr15-89836191-T-C.
Other names: c.1909T>C, p.Ser637Pro (NM_001376910.1); c.2188T>C, p.Ser730Pro (NM_001376911.1, NM_018193.3); short protein forms S730P, S637P.
Identifiers: ClinVar variation 657808 (VCV000657808.8), dbSNP rs1596304843, ClinGen allele CA393749302.
Genomic context (GRCh38, chr15:89,292,960, plus strand): 5'-AGTTCTTTAGTAGCTTGTTAATTTTTATCTTGTGTCTTTTAGGATAAATCAGCAGATTTT[T>C]CTCAGAGCACCAGTATTGGCATAAAAAATAATATCTGTGCTTTTCTTGTGATGGGAGTTT-3'
Protein context (NP_001106849.1, residues 720-740): DFELDKSADF[Ser730Pro]QSTSIGIKNN

ClinVar aggregate classification (germline): Uncertain significance (1 of 4 stars; one submission).

Conditions:
Fanconi anemia (FA). Also called: Fanconi's anemia. Identifiers: Orphanet 84, MedGen C0015625, MeSH D005199, MONDO:0019391.

Allele frequency attached by ClinVar (database versions not stated): gnomAD exomes below 0.00001; TOPMed below 0.00001.
gnomAD v4.1: 4 of 1,614,166 alleles (0.00025%); highest among the groups gnomAD compares: East Asian, 0.0022%; no homozygotes.

Submission:

Labcorp Genetics (formerly Invitae), Labcorp
Classification: Uncertain significance for Fanconi anemia. Last evaluated: 2025-07-13. Review status: criteria provided, single submitter. Criteria: Invitae Variant Classification Sherloc (09022015). Collection method: clinical testing. Allele origin: germline.
Comment: This sequence change replaces serine, which is neutral and polar, with proline, which is neutral and non-polar, at codon 730 of the FANCI protein (p.Ser730Pro). This variant is not present in population databases (gnomAD no frequency). This variant has not been reported in the literature in individuals affected with FANCI-related conditions. ClinVar contains an entry for this variant (Variation ID: 657808). Invitae Evidence Modeling of protein sequence and biophysical properties (such as structural, functional, and spatial information, amino acid conservation, physicochemical variation, residue mobility, and thermodynamic stability) indicates that this missense variant is expected to disrupt FANCI protein function with a positive predictive value of 80%. In summary, the available evidence is currently insufficient to determine the role of this variant in disease. Therefore, it has been classified as a Variant of Uncertain Significance.